The following is an entry in ClinVar:

ClinVar aggregate classification (germline): Uncertain significance. Review status: criteria provided, multiple submitters, no conflicts (2 of 4 stars). 3 submissions from 3 submitters: Uncertain significance (3). Last evaluated 2025-12-17.

Conditions:
Hereditary cancer-predisposing syndrome. Also called: Tumor predisposition; Hereditary neoplastic syndrome; Hereditary Cancer Syndrome; Neoplastic Syndromes, Hereditary. Identifiers: Orphanet 140162, MedGen C0027672, MeSH D009386, MONDO:0015356.
Familial adenomatous polyposis 1 (FAP1). Also called: FAMILIAL ADENOMATOUS POLYPOSIS 1, ATTENUATED; POLYPOSIS, ADENOMATOUS INTESTINAL. Identifiers: MedGen C2713442, MONDO:0021056, OMIM 175100. Disease mechanism: loss of function.

Submissions (3):

Ambry Genetics
Classification: Uncertain significance for Hereditary cancer-predisposing syndrome. Last evaluated: 2025-12-17. Review status: criteria provided, single submitter. Criteria: Ambry Variant Classification Scheme 2023. Collection method: clinical testing. Allele origin: germline.
Comment: The p.N363S variant (also known as c.1088A>G), located in coding exon 9 of the APC gene, results from an A to G substitution at nucleotide position 1088. The asparagine at codon 363 is replaced by serine, an amino acid with highly similar properties. This amino acid position is highly conserved in available vertebrate species. In addition, in silico predictors for this gene do not accurately predict pathogenicity. Missense variants in APC are not a common cause of disease (Spier I et al. Genet Med. 2024 Feb;26(2):100992). Based on the available evidence, the clinical significance of this variant remains unclear.

Labcorp Genetics (formerly Invitae), Labcorp
Classification: Uncertain significance for Familial adenomatous polyposis 1. Last evaluated: 2025-07-20. Review status: criteria provided, single submitter. Criteria: Invitae Variant Classification Sherloc (09022015). Collection method: clinical testing. Allele origin: germline.
Comment: This sequence change replaces asparagine, which is neutral and polar, with serine, which is neutral and polar, at codon 363 of the APC protein (p.Asn363Ser). This variant is not present in population databases (gnomAD no frequency). This variant has not been reported in the literature in individuals affected with APC-related conditions. ClinVar contains an entry for this variant (Variation ID: 999980). Invitae Evidence Modeling of protein sequence and biophysical properties (such as structural, functional, and spatial information, amino acid conservation, physicochemical variation, residue mobility, and thermodynamic stability) indicates that this missense variant is not expected to disrupt APC protein function with a negative predictive value of 95%. In summary, the available evidence is currently insufficient to determine the role of this variant in disease. Therefore, it has been classified as a Variant of Uncertain Significance.

GeneDx
Classification: Uncertain significance. Last evaluated: 2021-03-05. Review status: criteria provided, single submitter. Criteria: GeneDx Variant Classification Process June 2021. Collection method: clinical testing. Allele origin: germline. Affected: yes.
Comment: Not observed in large population cohorts (Lek 2016); In silico analysis supports that this missense variant does not alter protein structure/function; Has not been previously published as pathogenic or benign to our knowledge

NM_000038.6(APC):c.1088A>G (p.Asn363Ser)

Gene: APC (APC regulator of Wnt signaling pathway; plus strand). Cytogenetic location: 5q22.2.
Variant type: single nucleotide variant.
Coding change: c.1088A>G on transcript NM_000038.6 (MANE Select); coding-DNA position 1088, A replaced by G.
Protein change: p.Asn363Ser; replaces asparagine 363 with serine.
Molecular consequence: missense variant. On other transcripts: intron variant (4).
Genome position (GRCh38, 1-based): chr5:112,819,120, A>G. VCF-style: chr5-112819120-A-G. GRCh37 (hg19) VCF-style: chr5-112154817-A-G.
Other names: c.1088A>G, p.Asn363Ser (NM_001127510.3, NM_001354895.2, NM_001354896.2); c.1034A>G, p.Asn345Ser (NM_001127511.3); c.1118A>G, p.Asn373Ser (NM_001354897.2); c.1013A>G, p.Asn338Ser (NM_001354898.2); c.1004A>G, p.Asn335Ser (NM_001354899.2); c.911A>G, p.Asn304Ser (NM_001354900.2, NM_001354901.2); c.239A>G, p.Asn80Ser (NM_001354906.2); c.964-149A>G (NM_001354902.2); and 3 more; short protein forms N304S, N335S, N338S, N345S, N363S, N373S, N80S.
Identifiers: ClinVar variation 999980 (VCV000999980.14), dbSNP rs1762830159, ClinGen allele CA16023693.